The following is an entry in ClinVar:

NM_006231.4(POLE):c.424-2A>G

Gene: POLE (DNA polymerase epsilon, catalytic subunit; minus strand). Cytogenetic location: 12q24.33.
Variant type: single nucleotide variant.
Coding change: c.424-2A>G on transcript NM_006231.4 (MANE Select); the canonical splice acceptor site of the intron before coding-DNA position 424, A replaced by G.
Molecular consequence: splice acceptor variant.
Genome position (GRCh38, 1-based): chr12:132,679,653, T>C on the plus strand (A>G on the coding strand, the complement: POLE is on the minus strand). VCF-style: chr12-132679653-T-C. GRCh37 (hg19) VCF-style: chr12-133256239-T-C.
Identifiers: ClinVar variation 548883 (VCV000548883.13), dbSNP rs1555230117, ClinGen allele CA387367681.

ClinVar aggregate classification (germline): Conflicting classifications of pathogenicity. Review status: criteria provided, conflicting classifications (1 of 4 stars). 3 submissions from 3 submitters: Likely pathogenic (1); Uncertain significance (1). 1 of the submissions does not count toward it. Last evaluated 2025-09-05.

Conditions:
Hereditary cancer-predisposing syndrome. Also called: Hereditary Cancer Syndrome; Hereditary neoplastic syndrome; Tumor predisposition; Neoplastic Syndromes, Hereditary. Identifiers: Orphanet 140162, MedGen C0027672, MeSH D009386, MONDO:0015356.
Colorectal cancer, susceptibility to, 12 (CRCS12). Also called: COLORECTAL CANCER, SUSCEPTIBILITY TO, ON CHROMOSOME 12q24. Identifiers: Orphanet 220460, MedGen C3554460, MONDO:0014038, OMIM 615083.

Allele frequency attached by ClinVar (database versions not stated): gnomAD 0.00001.
gnomAD v4.1: 1 of 1,607,350 alleles (0.000062%); highest among the groups gnomAD compares: Non-Finnish European, 0.000085%; no homozygotes.

Submissions (3):

Ambry Genetics
Classification: Uncertain significance for Hereditary cancer-predisposing syndrome. Last evaluated: 2025-09-05. Review status: criteria provided, single submitter. Criteria: Ambry Variant Classification Scheme 2023. Collection method: clinical testing. Allele origin: germline.
Comment: The c.424-2A>G intronic variant results from an A to G substitution two nucleotides upstream from coding exon 6 in the POLE gene. This nucleotide position is highly conserved in available vertebrate species. In silico splice site analysis predicts that this alteration will weaken the native splice acceptor site and will result in the creation or strengthening of a novel splice acceptor site; however, direct evidence is insufficient at this time (Ambry internal data). Although biallelic loss of function of POLE has been associated with autosomal recessive POLE deficiency, haploinsufficiency of POLE has not been established as a mechanism of disease for POLE-related polymerase proofreading-associated polyposis (PPAP) and POLE-related CMMRD-like syndrome. Based on the supporting evidence, this variant is expected to be causative of POLE deficiency when present along with a second pathogenic variant on the other allele; however, its clinical significance for PPAP and POLE-related CMMRD-like syndrome is unclear.

Labcorp Genetics (formerly Invitae), Labcorp
Classification: Likely pathogenic. Last evaluated: 2024-11-06. Review status: criteria provided, single submitter. Criteria: Invitae Variant Classification Sherloc (09022015). Collection method: clinical testing. Allele origin: germline.
Comment: This sequence change affects an acceptor splice site in intron 5 of the POLE gene. RNA analysis indicates that disruption of this splice site induces altered splicing and may result in an absent or altered protein product. This variant is not present in population databases (gnomAD no frequency). This variant has not been reported in the literature in individuals affected with POLE-related conditions. ClinVar contains an entry for this variant (Variation ID: 548883). Studies have shown that disruption of this splice site results in activation of a cryptic splice site, and produces a non-functional protein and/or introduces a premature termination codon (internal data). In summary, the currently available evidence indicates that the variant is pathogenic, but additional data are needed to prove that conclusively. Therefore, this variant has been classified as Likely Pathogenic.

Counsyl
Classification: Uncertain significance for Colorectal cancer, susceptibility to, 12. Last evaluated: 2018-04-09. Review status: no assertion criteria provided. Collection method: clinical testing. Allele origin: unknown. Not counted in ClinVar's aggregate classification.